The following is an entry in ClinVar:

ClinVar aggregate classification (germline): Uncertain significance. Review status: criteria provided, multiple submitters, no conflicts (2 of 4 stars). 5 submissions from 5 submitters: Uncertain significance (5). Last evaluated 2025-12-19.

Conditions:
AKAP9-related disorder. Also called: AKAP9-related condition.
Cardiovascular phenotype. Identifiers: MedGen CN230736.
Long QT syndrome 11 (LQT11). Identifiers: Orphanet 101016, Orphanet 768, MedGen C2678483, MONDO:0012738, OMIM 611820.
Long QT syndrome (LQTS). Identifiers: MedGen C0023976, MeSH D008133, MONDO:0002442. Disease mechanism: loss of function. Inheritance: Various modes of inheritance.

Allele frequency attached by ClinVar (database versions not stated): gnomAD exomes 0.00002 and 0.00010; TOPMed 0.00002; gnomAD 0.00004 and 0.00005.
gnomAD v4.1: 146 of 1,613,986 alleles (0.009%); highest among the groups gnomAD compares: Non-Finnish European, 0.012%; no homozygotes.

Submissions (5):

Women's Health and Genetics/Laboratory Corporation of America, LabCorp
Classification: Uncertain significance. Last evaluated: 2025-12-19. Review status: criteria provided, single submitter. Criteria: LabCorp Variant Classification Summary - May 2015. Collection method: clinical testing. Allele origin: germline.

Labcorp Genetics (formerly Invitae), Labcorp
Classification: Uncertain significance for Long QT syndrome. Last evaluated: 2025-01-28. Review status: criteria provided, single submitter. Criteria: Invitae Variant Classification Sherloc (09022015). Collection method: clinical testing. Allele origin: germline.
Comment: This sequence change replaces glutamine, which is neutral and polar, with glutamic acid, which is acidic and polar, at codon 3032 of the AKAP9 protein (p.Gln3032Glu). This variant is present in population databases (rs779260877, gnomAD 0.004%). This variant has not been reported in the literature in individuals affected with AKAP9-related conditions. ClinVar contains an entry for this variant (Variation ID: 652879). An algorithm developed to predict the effect of missense changes on protein structure and function (PolyPhen-2) suggests that this variant is likely to be tolerated. In summary, the available evidence is currently insufficient to determine the role of this variant in disease. Therefore, it has been classified as a Variant of Uncertain Significance.

Ambry Genetics
Classification: Uncertain significance for Cardiovascular phenotype. Last evaluated: 2023-12-16. Review status: criteria provided, single submitter. Criteria: Ambry Variant Classification Scheme 2023. Collection method: clinical testing. Allele origin: germline.
Comment: The p.Q3032E variant (also known as c.9094C>G), located in coding exon 37 of the AKAP9 gene, results from a C to G substitution at nucleotide position 9094. The glutamine at codon 3032 is replaced by glutamic acid, an amino acid with highly similar properties. This amino acid position is not well conserved in available vertebrate species. In addition, this alteration is predicted to be tolerated by in silico analysis. Since supporting evidence is limited at this time, the clinical significance of this alteration remains unclear.

PreventionGenetics, part of Exact Sciences
Classification: Uncertain significance for AKAP9-related condition. Last evaluated: 2022-09-14. Review status: criteria provided, single submitter. Criteria: ACMG Guidelines, 2015. Collection method: clinical testing. Allele origin: germline.
Comment: The AKAP9 c.9094C>G variant is predicted to result in the amino acid substitution p.Gln3032Glu. To our knowledge, this variant has not been reported in the literature. This variant is reported in 0.0040% of alleles in individuals of African descent in gnomAD. At this time, the clinical significance of this variant is uncertain due to the absence of conclusive functional and genetic evidence.

Fulgent Genetics
Classification: Uncertain significance for Long QT syndrome 11. Last evaluated: 2021-08-18. Review status: criteria provided, single submitter. Criteria: ACMG Guidelines, 2015. Collection method: clinical testing. Allele origin: unknown.

NM_005751.5(AKAP9):c.9094C>G (p.Gln3032Glu)

Gene: AKAP9 (A-kinase anchoring protein 9; plus strand). Cytogenetic location: 7q21.2.
Variant type: single nucleotide variant.
Coding change: c.9094C>G on transcript NM_005751.5 (MANE Select); coding-DNA position 9094, C replaced by G.
Protein change: p.Gln3032Glu; replaces glutamine 3032 with glutamic acid.
Molecular consequence: missense variant.
Genome position (GRCh38, 1-based): chr7:92,086,297, C>G. VCF-style: chr7-92086297-C-G. GRCh37 (hg19) VCF-style: chr7-91715611-C-G.
Other names: c.3739C>G, p.Gln1247Glu (NM_001379277.1); c.9070C>G, p.Gln3024Glu (NM_147185.3); short protein forms Q3032E, Q3024E, Q1247E.
Identifiers: ClinVar variation 652879 (VCV000652879.11), dbSNP rs779260877, ClinGen allele CA161888840.